The following is an entry in ClinVar:

NM_002693.3(POLG):c.2561C>A (p.Ala854Asp)

Genes: POLG (DNA polymerase gamma, catalytic subunit; minus strand), POLGARF (POLG alternative reading frame; minus strand). Cytogenetic location: 15q26.1.
Variant type: single nucleotide variant.
Coding change: c.2561C>A on transcript NM_002693.3 (MANE Select); coding-DNA position 2561, C replaced by A.
Protein change: p.Ala854Asp; replaces alanine 854 with aspartic acid.
Molecular consequence: missense variant.
Genome position (GRCh38, 1-based): chr15:89,321,773, G>T on the plus strand (C>A on the coding strand, the complement: POLG is on the minus strand). VCF-style: chr15-89321773-G-T. GRCh37 (hg19) VCF-style: chr15-89865004-G-T.
Other names: p.A854D:GCT>GAT; c.2561C>A, p.Ala854Asp (NM_001126131.2); short protein forms A854D.
Identifiers: ClinVar variation 206530 (VCV000206530.2), dbSNP rs796052889, ClinGen allele CA316705.

ClinVar aggregate classification (germline): Likely pathogenic (1 of 4 stars; one submission).

Submission:

GeneDx
Classification: Likely pathogenic. Last evaluated: 2014-12-22. Review status: criteria provided, single submitter. Criteria: GeneDx Variant Classification (06012015). Collection method: clinical testing. Allele origin: germline. Affected: yes.
Comment: p.Ala854Asp (GCT>GAT): c.2561 C>A in exon 16 of the POLG gene (NM_002693.2). The A854D variant has not been published as a mutation, nor has it been reported as a benign polymorphism to our knowledge. It was not observed in approximately 6,500 individuals of European and African American ancestry in the NHLBI Exome Sequencing Project, indicating it is not a common benign variant in these populations. The A854D variant is a non-conservative amino acid substitution, which is likely to impact secondary protein structure as these residues differ in polarity, charge, size and/or other properties. This substitution occurs at a position that is conserved across species, and in silico analysis predicts this variant is probably damaging to the protein structure/function. Missense mutations in nearby residues have been reported in association with POLG-related disorders, supporting the functional importance of this region of the protein. Therefore, this variant is a strong candidate for a pathogenic mutation, however, the possibility that it is a benign variant cannot be excluded. The variant is found in EPILEPSYV2-1 panel(s).